The following is an entry in ClinVar:

ClinVar aggregate classification (germline): Pathogenic (1 of 4 stars; one submission).

Conditions:
Glycine encephalopathy. Also called: Nonketotic hyperglycinemia; Non-ketotic hyperglycinemia. Identifiers: Orphanet 407, MedGen C0751748, MONDO:0011612, HP:0008288.

Submission:

Labcorp Genetics (formerly Invitae), Labcorp
Classification: Pathogenic for Glycine encephalopathy. Last evaluated: 2023-09-20. Review status: criteria provided, single submitter. Criteria: Invitae Variant Classification Sherloc (09022015). Collection method: clinical testing. Allele origin: unknown.
Comment: This variant is a gross deletion of the genomic region encompassing exon(s) 23-25 of the GLDC gene, which includes the termination codon. This deletion extends beyond the assayed region for this gene and therefore may encompass additional genes. While this deletion is not anticipated to lead to nonsense mediated decay, it is expected to alter mRNA translation or result in a truncated protein product. This variant has not been reported in the literature in individuals affected with GLDC-related conditions. This variant disrupts a region of the GLDC protein in which other variant(s) (Deletion (Exon 25)) have been determined to be pathogenic (Invitae). This suggests that this is a clinically significant region of the protein, and that variants that disrupt it are likely to be disease-causing. For these reasons, this variant has been classified as Pathogenic.

NC_000009.11:g.(?_6533017)_(6536256_?)del

Gene: GLDC (glycine decarboxylase; minus strand). Cytogenetic location: 9p24.1.
Variant type: Deletion.
Identifiers: ClinVar variation 3245152 (VCV003245152.1).